The following is an entry in ClinVar:

ClinVar aggregate classification (germline): Uncertain significance (1 of 4 stars; one submission).

Allele frequency attached by ClinVar (database versions not stated): gnomAD exomes below 0.00001 and 0.00001; ExAC 0.00001; TOPMed 0.00001.
gnomAD v4.1: 2 of 1,614,178 alleles (0.00012%); highest among the groups gnomAD compares: Admixed American, 0.0033%; no homozygotes.

Submission:

Labcorp Genetics (formerly Invitae), Labcorp
Classification: Uncertain significance. Last evaluated: 2024-01-17. Review status: criteria provided, single submitter. Criteria: Invitae Variant Classification Sherloc (09022015). Collection method: clinical testing. Allele origin: germline.
Comment: This sequence change replaces histidine, which is basic and polar, with asparagine, which is neutral and polar, at codon 388 of the TBX15 protein (p.His388Asn). This variant is present in population databases (rs781509317, gnomAD 0.006%). This variant has not been reported in the literature in individuals affected with TBX15-related conditions. ClinVar contains an entry for this variant (Variation ID: 1353267). An algorithm developed to predict the effect of missense changes on protein structure and function (PolyPhen-2) suggests that this variant is likely to be tolerated. In summary, the available evidence is currently insufficient to determine the role of this variant in disease. Therefore, it has been classified as a Variant of Uncertain Significance.

NM_001330677.2(TBX15):c.1480C>A (p.His494Asn)

Gene: TBX15 (T-box transcription factor 15; minus strand). Cytogenetic location: 1p12.
Variant type: single nucleotide variant.
Coding change: c.1480C>A on transcript NM_001330677.2 (MANE Select); coding-DNA position 1480, C replaced by A.
Protein change: p.His494Asn; replaces histidine 494 with asparagine.
Molecular consequence: missense variant.
Genome position (GRCh38, 1-based): chr1:118,885,061, G>T on the plus strand (C>A on the coding strand, the complement: TBX15 is on the minus strand). VCF-style: chr1-118885061-G-T. GRCh37 (hg19) VCF-style: chr1-119427684-G-T.
Other names: c.1162C>A, p.His388Asn (NM_152380.3); short protein forms H494N, H388N.
Identifiers: ClinVar variation 1353267 (VCV001353267.8), dbSNP rs781509317, ClinGen allele CA1034838.